The following is an entry in ClinVar:

NM_001099857.5(IKBKG):c.766C>T (p.Arg256Ter)

Gene: IKBKG (inhibitor of nuclear factor kappa B kinase regulatory subunit gamma; plus strand). Cytogenetic location: Xq28.
Variant type: single nucleotide variant.
Coding change: c.766C>T on transcript NM_001099857.5 (MANE Select); coding-DNA position 766, C replaced by T.
Protein change: p.Arg256Ter; replaces arginine 256 with a stop codon.
Molecular consequence: nonsense. On other transcripts: non-coding transcript variant (1), intron variant (1).
Genome position (GRCh38, 1-based): chrX:154,561,782, C>T. VCF-style: chrX-154561782-C-T. GRCh37 (hg19) VCF-style: chrX-153789997-C-T.
Other names: c.766C>T (NM_001099857.2); c.970C>T, p.Arg324Ter (NM_001099856.6); c.613C>T, p.Arg205Ter (NM_001145255.4); c.766C>T, p.Arg256Ter (NM_001321396.3, NM_001377312.1, NM_003639.4); c.763C>T, p.Arg255Ter (NM_001321397.3, NM_001377313.1); c.610C>T, p.Arg204Ter (NM_001377314.1); c.400-1028C>T (NM_001377315.1); short protein forms R256*, R205*, R255*, R324*, R204*.
Identifiers: ClinVar variation 426975 (VCV000426975.9), dbSNP rs1085307883, ClinGen allele CA415215821.

ClinVar aggregate classification (germline): Pathogenic. Review status: criteria provided, multiple submitters, no conflicts (2 of 4 stars). 2 submissions from 2 submitters: Pathogenic (2). Last evaluated 2026-04-23.

Conditions:
Incontinentia pigmenti syndrome (IP). Also called: Incontinentia Pigmenti; BLOCH-SULZBERGER SYNDROME; INCONTINENTIA PIGMENTI, FAMILIAL MALE-LETHAL TYPE; INCONTINENTIA PIGMENTI, TYPE II. Identifiers: Orphanet 464, MedGen C0021171, MONDO:0010631, OMIM 308300.

Submissions (2):

Sección de Genética, Servicio de Análisis Clínicos, Consorcio Hospital General Universitario de Valencia
Classification: Pathogenic for Incontinentia pigmenti syndrome. Last evaluated: 2026-04-23. Review status: criteria provided, single submitter. Criteria: ACMG Guidelines, 2015. Collection method: provider interpretation. Allele origin: unknown. Inheritance: X-linked dominant inheritance. Affected: yes. Observed: 1 variant allele.
Comment: This variant was classified as pathogenic according to ACMG/AMP 2015 guidelines using criteria PVS1 and PM2. PVS1 was applied because this is a nonsense variant predicted to result in loss of function in IKBKG, a gene in which loss of function is an established disease mechanism. PM2 was applied because the variant is absent or extremely rare in population databases including gnomAD.

GeneDx
Classification: Pathogenic. Last evaluated: 2025-10-29. Review status: criteria provided, single submitter. Criteria: GeneDx Variant Classification Process June 2021. Collection method: clinical testing. Allele origin: germline. Affected: yes.
Comment: Nonsense variant predicted to result in protein truncation or nonsense mediated decay in a gene for which loss of function is a known mechanism of disease; No data available from control populations to assess the frequency of this variant; This variant is associated with the following publications: (PMID: 25525159, 24339369, 18350553)